The following is an entry in ClinVar:

NM_001040436.3(YARS2):c.945A>C (p.Glu315Asp)

Gene: YARS2 (tyrosyl-tRNA synthetase 2; minus strand). Cytogenetic location: 12p11.21.
Variant type: single nucleotide variant.
Coding change: c.945A>C on transcript NM_001040436.3 (MANE Select); coding-DNA position 945, A replaced by C.
Protein change: p.Glu315Asp; replaces glutamic acid 315 with aspartic acid.
Molecular consequence: missense variant.
Genome position (GRCh38, 1-based): chr12:32,753,920, T>G on the plus strand (A>C on the coding strand, the complement: YARS2 is on the minus strand). VCF-style: chr12-32753920-T-G. GRCh37 (hg19) VCF-style: chr12-32906854-T-G.
Other names: short protein forms E315D.
Identifiers: ClinVar variation 4681058 (VCV004681058.1).

ClinVar aggregate classification (germline): Uncertain significance (1 of 4 stars; one submission).

gnomAD v4.1: 3 of 1,614,212 alleles (0.00019%); highest among the groups gnomAD compares: Non-Finnish European, 0.00025%; no homozygotes.

Submission:

GeneDx
Classification: Uncertain significance. Last evaluated: 2025-07-01. Review status: criteria provided, single submitter. Criteria: GeneDx Variant Classification Process June 2021. Collection method: clinical testing. Allele origin: germline. Affected: yes.
Comment: Not observed at significant frequency in large population cohorts (gnomAD); In silico analysis supports that this missense variant has a deleterious effect on protein structure/function; Has not been previously published as pathogenic or benign to our knowledge